The following is an entry in ClinVar:

ClinVar aggregate classification (germline): Uncertain significance (1 of 4 stars; one submission).

Submission:

Labcorp Genetics (formerly Invitae), Labcorp
Classification: Uncertain significance. Last evaluated: 2023-10-23. Review status: criteria provided, single submitter. Criteria: Invitae Variant Classification Sherloc (09022015). Collection method: clinical testing. Allele origin: germline.
Comment: This sequence change results in a frameshift in the IFITM5 gene (p.Val105Profs*35). While this is not anticipated to result in nonsense mediated decay, it is expected to disrupt the last 28 amino acid(s) of the IFITM5 protein and extend the protein by 6 additional amino acid residues. This variant is not present in population databases (gnomAD no frequency). This frameshift has been observed in individual(s) with clinical features of osetogenesis imperfecta (Invitae). Experimental studies and prediction algorithms are not available or were not evaluated, and the functional significance of this variant is currently unknown. In summary, the available evidence is currently insufficient to determine the role of this variant in disease. Therefore, it has been classified as a Variant of Uncertain Significance.

NM_001025295.3(IFITM5):c.313_322del (p.Val105fs)

Gene: IFITM5 (interferon induced transmembrane protein 5; minus strand). Cytogenetic location: 11p15.5.
Variant type: Deletion.
Coding change: c.313_322del on transcript NM_001025295.3 (MANE Select); coding-DNA positions 313 to 322, 10 bases deleted (GTGACTGGTG; older notation c.313_322delGTGACTGGTG).
Protein change: p.Val105fs; shifts the reading frame from valine 105.
Molecular consequence: frameshift variant.
Genome position (GRCh38, 1-based): chr11:298,578-298,587, CACCAGTCAC deleted on the plus strand (GTGACTGGTG on the coding strand, the reverse complement: IFITM5 is on the minus strand); deleting any 10 consecutive bases within chr11:298,578-298,593 gives the same sequence; the c. name uses the placement nearest the transcript's 3' end. VCF-style (leftmost placement, unchanged base first): chr11-298577-GCACCAGTCAC-G. GRCh37 (hg19) VCF-style: chr11-298577-GCACCAGTCAC-G.
Other names: short protein forms V105fs.
Identifiers: ClinVar variation 2994747 (VCV002994747.3), dbSNP rs1845891527, ClinGen allele CA934235898.